The following is an entry in ClinVar:

NM_152328.5(ADSS1):c.193-5037G>A

Gene: ADSS1 (adenylosuccinate synthase 1; plus strand). Cytogenetic location: 14q32.33.
Variant type: single nucleotide variant.
Coding change: c.193-5037G>A on transcript NM_152328.5 (MANE Select); 5037 bases into the intron before coding-DNA position 193, G replaced by A.
Molecular consequence: intron variant. On other transcripts: 5 prime UTR variant (1), missense variant (1).
Genome position (GRCh38, 1-based): chr14:104,729,983, G>A. VCF-style: chr14-104729983-G-A. GRCh37 (hg19) VCF-style: chr14-105196320-G-A.
Other names: c.-637G>A (NM_001320424.1); c.91G>A, p.Ala31Thr (NM_199165.2); short protein forms A31T.
Identifiers: ClinVar variation 2106666 (VCV002106666.4), dbSNP rs146609245, ClinGen allele CA391232555.

ClinVar aggregate classification (germline): Uncertain significance (1 of 4 stars; one submission).

Submission:

Labcorp Genetics (formerly Invitae), Labcorp
Classification: Uncertain significance. Last evaluated: 2022-09-06. Review status: criteria provided, single submitter. Criteria: Invitae Variant Classification Sherloc (09022015). Collection method: clinical testing. Allele origin: germline.
Comment: This sequence change replaces alanine, which is neutral and non-polar, with threonine, which is neutral and polar, at codon 31 of the ADSSL1 protein (p.Ala31Thr). In summary, the available evidence is currently insufficient to determine the role of this variant in disease. Therefore, it has been classified as a Variant of Uncertain Significance. Experimental studies and prediction algorithms are not available or were not evaluated, and the functional significance of this variant is currently unknown. This variant has not been reported in the literature in individuals affected with ADSSL1-related conditions. This variant is not present in population databases (gnomAD no frequency).